The following is an entry in ClinVar:

ClinVar aggregate classification (germline): Uncertain significance (1 of 4 stars; one submission).

Conditions:
Ataxia-telangiectasia syndrome (AT). Also called: Ataxia-telangiectasia, complementation group D; AT, COMPLEMENTATION GROUP C; Ataxia-telangiectasia; Ataxia telangiectasia (A-T); Ataxia-telangiectasia, complementation group E; Cerebello-oculocutaneous telangiectasia. Identifiers: Orphanet 100, MedGen C0004135, MONDO:0008840, OMIM 208900.

Submission:

Labcorp Genetics (formerly Invitae), Labcorp
Classification: Uncertain significance for Ataxia-telangiectasia syndrome. Last evaluated: 2021-07-07. Review status: criteria provided, single submitter. Criteria: Invitae Variant Classification Sherloc (09022015). Collection method: clinical testing. Allele origin: germline.
Comment: This variant is not present in population databases (ExAC no frequency). This sequence change falls in intron 19 of the ATM gene. It does not directly change the encoded amino acid sequence of the ATM protein. It affects a nucleotide within the consensus splice site of the intron. This variant has not been reported in the literature in individuals affected with ATM-related conditions. Nucleotide substitutions within the consensus splice site are a relatively common cause of aberrant splicing (PMID: 17576681, 9536098). Algorithms developed to predict the effect of sequence changes on RNA splicing suggest that this variant may disrupt the consensus splice site. In summary, the available evidence is currently insufficient to determine the role of this variant in disease. Therefore, it has been classified as a Variant of Uncertain Significance.

Literature cited by the submitters: PubMed 17576681; PubMed 9536098.

NM_000051.4(ATM):c.2921+3A>C

Gene: ATM (ATM serine/threonine kinase; plus strand). Cytogenetic location: 11q22.3.
Variant type: single nucleotide variant.
Coding change: c.2921+3A>C on transcript NM_000051.4 (MANE Select); 3 bases into the intron after coding-DNA position 2921, A replaced by C.
Molecular consequence: intron variant.
Genome position (GRCh38, 1-based): chr11:108,271,149, A>C. VCF-style: chr11-108271149-A-C. GRCh37 (hg19) VCF-style: chr11-108141876-A-C.
Other names: c.2921+3A>C (NM_001351834.2).
Identifiers: ClinVar variation 1404609 (VCV001404609.6), dbSNP rs2135549049, ClinGen allele CA2573146545.